The following is an entry in ClinVar:

ClinVar aggregate classification (germline): Uncertain significance (1 of 4 stars; one submission).

gnomAD v4.1: 1 of 1,614,060 alleles (0.000062%); highest among the groups gnomAD compares: Non-Finnish European, 0.000085%; no homozygotes.

Submission:

GeneDx
Classification: Uncertain significance. Last evaluated: 2024-06-04. Review status: criteria provided, single submitter. Criteria: GeneDx Variant Classification Process June 2021. Collection method: clinical testing. Allele origin: germline. Affected: yes.
Comment: Not observed at significant frequency in large population cohorts (gnomAD); In silico analysis supports that this missense variant has a deleterious effect on protein structure/function; Has not been previously published as pathogenic or benign to our knowledge

NM_006383.4(CIB2):c.523A>G (p.Lys175Glu)

Gene: CIB2 (calcium and integrin binding family member 2; minus strand). Cytogenetic location: 15q25.1.
Variant type: single nucleotide variant.
Coding change: c.523A>G on transcript NM_006383.4 (MANE Select); coding-DNA position 523, A replaced by G.
Protein change: p.Lys175Glu; replaces lysine 175 with glutamic acid.
Molecular consequence: missense variant. On other transcripts: non-coding transcript variant (1).
Genome position (GRCh38, 1-based): chr15:78,105,758, T>C on the plus strand (A>G on the coding strand, the complement: CIB2 is on the minus strand). VCF-style: chr15-78105758-T-C. GRCh37 (hg19) VCF-style: chr15-78398100-T-C.
Other names: c.394A>G, p.Lys132Glu (NM_001271888.2); c.376A>G, p.Lys126Glu (NM_001271889.2); c.538A>G, p.Lys180Glu (NM_001301224.2); short protein forms K126E, K132E, K175E, K180E.
Identifiers: ClinVar variation 3384478 (VCV003384478.1).
Genomic context (GRCh38, chr15:78,105,758, plus strand): 5'-TGCTCTGCCCTGCCCAAGCCCGGCCCCTGTAGTGGCAGCACCTGAGGAAGTCAGGGGCCT[T>C]GGCAATCATGTCCTCGAAGTCAGCAAAGCCCAGCTTGCCGTCACCGTCCAAGTCAGCCTC-3'
Protein context (NP_006374.1, residues 165-185): GFADFEDMIA[Lys175Glu]APDFLSTFHI